The following is an entry in ClinVar:

ClinVar aggregate classification (germline): Pathogenic/Likely pathogenic. Review status: criteria provided, multiple submitters, no conflicts (2 of 4 stars). 3 submissions from 3 submitters: Pathogenic (1); Likely pathogenic (1). 1 of the submissions does not count toward it. Last evaluated 2025-07-28.

Conditions:
Bardet-Biedl syndrome (BBS). Identifiers: Orphanet 110, MedGen C0752166, MONDO:0015229.
BBS7-related disorder. Also called: BBS7-related condition.
Bardet-Biedl syndrome 1 (BBS1). Identifiers: MedGen C2936862, MONDO:0008854, OMIM 209900. Disease mechanism: loss of function.

Submissions (3):

Labcorp Genetics (formerly Invitae), Labcorp
Classification: Pathogenic for Bardet-Biedl syndrome. Last evaluated: 2025-07-28. Review status: criteria provided, single submitter. Criteria: Invitae Variant Classification Sherloc (09022015). Collection method: clinical testing. Allele origin: germline.
Comment: This sequence change replaces leucine, which is neutral and non-polar, with arginine, which is basic and polar, at codon 23 of the BBS7 protein (p.Leu23Arg). This variant is not present in population databases (gnomAD no frequency). This missense change has been observed in individual(s) with clinical features of Bardet-Biedl syndrome (PMID: 37293956; internal data). In at least one individual the data is consistent with being in trans (on the opposite chromosome) from a pathogenic variant. ClinVar contains an entry for this variant (Variation ID: 940124). Invitae Evidence Modeling of protein sequence and biophysical properties (such as structural, functional, and spatial information, amino acid conservation, physicochemical variation, residue mobility, and thermodynamic stability) indicates that this missense variant is expected to disrupt BBS7 protein function with a positive predictive value of 80%. For these reasons, this variant has been classified as Pathogenic.

Blueprint Genetics
Classification: Likely pathogenic for BBS7-related disorders. Last evaluated: 2021-09-13. Review status: criteria provided, single submitter. Criteria: ACMG Guidelines, 2015. Collection method: clinical testing. Allele origin: germline. Affected: yes. Observed: 3 variant alleles.

Advanced Center For Translational And Genetic Medicine, Ann & Robert H. Lurie Children's Hospital Of Chicago
Classification: Likely pathogenic for Bardet-Biedl syndrome 1. Last evaluated: 2023-05-10. Review status: no assertion criteria provided. Collection method: research. Allele origin: maternal. Affected: yes. Observed: 1 compound heterozygote. Not counted in ClinVar's aggregate classification.

Literature cited by the submitters: PubMed 37293956 (cited by Labcorp Genetics (formerly Invitae), Labcorp).

NM_176824.3(BBS7):c.68T>G (p.Leu23Arg)

Gene: BBS7 (Bardet-Biedl syndrome 7; minus strand). Cytogenetic location: 4q27.
Variant type: single nucleotide variant.
Coding change: c.68T>G on transcript NM_176824.3 (MANE Select); coding-DNA position 68, T replaced by G.
Protein change: p.Leu23Arg; replaces leucine 23 with arginine.
Molecular consequence: missense variant.
Genome position (GRCh38, 1-based): chr4:121,868,015, A>C on the plus strand (T>G on the coding strand, the complement: BBS7 is on the minus strand). VCF-style: chr4-121868015-A-C. GRCh37 (hg19) VCF-style: chr4-122789170-A-C.
Other names: c.68T>G, p.Leu23Arg (NM_018190.4); short protein forms L23R.
Identifiers: ClinVar variation 940124 (VCV000940124.4), dbSNP rs1727380420, ClinGen allele CA358045960.